The following is an entry in ClinVar:

NM_017849.4(TMEM127):c.638A>T (p.Glu213Val)

Gene: TMEM127 (transmembrane protein 127; minus strand). Cytogenetic location: 2q11.2.
Variant type: single nucleotide variant.
Coding change: c.638A>T on transcript NM_017849.4 (MANE Select); coding-DNA position 638, A replaced by T.
Protein change: p.Glu213Val; replaces glutamic acid 213 with valine.
Molecular consequence: missense variant.
Genome position (GRCh38, 1-based): chr2:96,253,887, T>A on the plus strand (A>T on the coding strand, the complement: TMEM127 is on the minus strand). VCF-style: chr2-96253887-T-A. GRCh37 (hg19) VCF-style: chr2-96919625-T-A.
Other names: c.638A>T, p.Glu213Val (NM_001193304.3); c.386A>T, p.Glu129Val (NM_001407282.1, NM_001407283.1); short protein forms E213V, E129V.
Identifiers: ClinVar variation 1753210 (VCV001753210.2), dbSNP rs1684142972, ClinGen allele CA347651731.
Genomic context (GRCh38, chr2:96,253,887, plus strand): 5'-GGTGGCTGGAACTGGTTGATGACCTCATATTCCGCCGGGTAGGGCTCGTTCTCTTCCATC[T>A]CTGAGAGCAGCTCCAGCGCCTGCTCCTCTTCCTCTGTGGGGTAGTGGCGCAGGAGGTTGG-3'
Protein context (NP_060319.1, residues 203-223): EEEQALELLS[Glu213Val]MEENEPYPAE

ClinVar aggregate classification (germline): Uncertain significance (1 of 4 stars; one submission).

Conditions:
Hereditary cancer-predisposing syndrome. Also called: Neoplastic Syndromes, Hereditary; Tumor predisposition; Hereditary Cancer Syndrome; Hereditary neoplastic syndrome. Identifiers: Orphanet 140162, MedGen C0027672, MeSH D009386, MONDO:0015356.

Submission:

Ambry Genetics
Classification: Uncertain significance for Hereditary cancer-predisposing syndrome. Last evaluated: 2022-08-28. Review status: criteria provided, single submitter. Criteria: Ambry Variant Classification Scheme 2023. Collection method: clinical testing. Allele origin: germline.
Comment: The p.E213V variant (also known as c.638A>T), located in coding exon 3 of the TMEM127 gene, results from an A to T substitution at nucleotide position 638. The glutamic acid at codon 213 is replaced by valine, an amino acid with dissimilar properties. This amino acid position is conserved. In addition, this alteration is predicted to be deleterious by in silico analysis. Since supporting evidence is limited at this time, the clinical significance of this alteration remains unclear.